The following is an entry in ClinVar:

NM_001081.4(CUBN):c.7369C>T (p.Gln2457Ter)

Gene: CUBN (cubilin; minus strand). Cytogenetic location: 10p13.
Variant type: single nucleotide variant.
Coding change: c.7369C>T on transcript NM_001081.4 (MANE Select); coding-DNA position 7369, C replaced by T.
Protein change: p.Gln2457Ter; replaces glutamine 2457 with a stop codon.
Molecular consequence: nonsense.
Genome position (GRCh38, 1-based): chr10:16,913,975, G>A on the plus strand (C>T on the coding strand, the complement: CUBN is on the minus strand). VCF-style: chr10-16913975-G-A. GRCh37 (hg19) VCF-style: chr10-16955974-G-A.
Other names: short protein forms Q2457*.
Identifiers: ClinVar variation 4882813 (VCV004882813.2).
Genomic context (GRCh38, chr10:16,913,975, plus strand): 5'-TCCGGCCATGAGGATTTGGGTTCGGGTAGTTGGGAGAAGTAAATGTTCCAATAGAGCCCT[G>A]AAGATCCCCACCACACTCTGACGTGGGGAAAAAGCCAAGAAAACTTTCAATCAAATCAAA-3'

ClinVar aggregate classification (germline): Likely pathogenic (1 of 4 stars; one submission).

Submission:

Dasa
Classification: Likely pathogenic. Last evaluated: 2025-10-06. Review status: criteria provided, single submitter. Criteria: DASA Assertion Criteria. Collection method: clinical testing. Allele origin: germline.
Comment: NM_001081.4(CUBN):c.7369C>T (p.Gln2457*) is a nonsense variant in CUBN predicted to introduce a premature termination codon and is predicted to result in an absent or altered protein product. Loss of function is an established disease mechanism for CUBN-associated disorders. Also, this variant is absent from population databases. Based on the currently available evidence, this variant is classified as likely pathogenic.